The following is an entry in ClinVar:

NC_000022.10:g.(?_29099493)_(29099554_?)dup

Gene: CHEK2 (checkpoint kinase 2; minus strand). Cytogenetic location: 22q12.1.
Variant type: Duplication.
Identifiers: ClinVar variation 417602 (VCV000417602.2).

ClinVar aggregate classification (germline): Likely pathogenic (1 of 4 stars; one submission).

Conditions:
Familial cancer of breast. Also called: Hereditary breast cancer; BREAST CANCER, FAMILIAL; hereditary breast carcinoma. Identifiers: Orphanet 227535, MedGen C0346153, MONDO:0016419, OMIM 114480. Disease mechanism: loss of function.

Submission:

Labcorp Genetics (formerly Invitae), Labcorp
Classification: Likely pathogenic for Familial cancer of breast. Last evaluated: 2016-05-30. Review status: criteria provided, single submitter. Criteria: Invitae Variant Classification Sherloc (09022015). Collection method: clinical testing. Allele origin: germline.
Comment: This variant is a gross duplication of the genomic region encompassing exon 8 of the CHEK2 gene. While the exact position of the duplicated exon cannot be determined from this data, the duplicated copy of this region is likely in tandem and may result in an absent or disrupted protein product. While this particular exon-level duplication has not been reported in the literature, truncating variants in CHEK2 are known to be pathogenic (PMID: 21876083, 24713400). In summary, sub-genic duplications are generally in tandem (PMID: 25640679), and result in an absent or disrupted protein. However, the exact location of this duplication has not been confirmed. Therefore, it has been classified as Likely Pathogenic.